The following is an entry in ClinVar:

NM_006393.3(NEBL):c.838G>A (p.Val280Ile)

Gene: NEBL (nebulette; minus strand). Cytogenetic location: 10p12.31.
Variant type: single nucleotide variant.
Coding change: c.838G>A on transcript NM_006393.3 (MANE Select); coding-DNA position 838, G replaced by A.
Protein change: p.Val280Ile; replaces valine 280 with isoleucine.
Molecular consequence: missense variant. On other transcripts: intron variant (9).
Genome position (GRCh38, 1-based): chr10:20,858,305, C>T on the plus strand (G>A on the coding strand, the complement: NEBL is on the minus strand). VCF-style: chr10-20858305-C-T. GRCh37 (hg19) VCF-style: chr10-21147234-C-T.
Other names: c.250-45365G>A (NM_001377326.1, NM_001377327.1, NM_001377328.1); c.358-45365G>A (NM_213569.2, NM_001173484.2, NM_001377322.1); c.301-45365G>A (NM_001377324.1); c.292-45365G>A (NM_001377325.1); c.310-45365G>A (NM_001377323.1); short protein forms V280I.
Identifiers: ClinVar variation 1763186 (VCV001763186.5), dbSNP rs1370027424, ClinGen allele CA376101701.

ClinVar aggregate classification (germline): Uncertain significance. Review status: criteria provided, multiple submitters, no conflicts (2 of 4 stars). 2 submissions from 2 submitters: Uncertain significance (2). Last evaluated 2023-03-02.

Conditions:
Primary dilated cardiomyopathy (DCM). Also called: Dilated Cardiomyopathy. Identifiers: Orphanet 217604, MedGen C0007193, MeSH D002311, MONDO:0005021, HP:0001644. Inheritance: Various modes of inheritance.

Allele frequency attached by ClinVar (database versions not stated): gnomAD exomes below 0.00001; gnomAD 0.00001; TOPMed 0.00002.
gnomAD v4.1: 2 of 1,610,298 alleles (0.00012%); highest among the groups gnomAD compares: African/African-American, 0.0027%; no homozygotes.

Submissions (2):

Labcorp Genetics (formerly Invitae), Labcorp
Classification: Uncertain significance for Primary dilated cardiomyopathy. Last evaluated: 2023-03-02. Review status: criteria provided, single submitter. Criteria: Invitae Variant Classification Sherloc (09022015). Collection method: clinical testing. Allele origin: germline.
Comment: ClinVar contains an entry for this variant (Variation ID: 1763186). This variant has not been reported in the literature in individuals affected with NEBL-related conditions. This variant is not present in population databases (gnomAD no frequency). This sequence change replaces valine, which is neutral and non-polar, with isoleucine, which is neutral and non-polar, at codon 280 of the NEBL protein (p.Val280Ile). An algorithm developed to predict the effect of missense changes on protein structure and function (PolyPhen-2) suggests that this variant is likely to be tolerated. In summary, the available evidence is currently insufficient to determine the role of this variant in disease. Therefore, it has been classified as a Variant of Uncertain Significance.

Ambry Genetics
Classification: Uncertain significance. Last evaluated: 2022-10-17. Review status: criteria provided, single submitter. Criteria: Ambry Variant Classification Scheme 2023. Collection method: clinical testing. Allele origin: germline.
Comment: The p.V280I variant (also known as c.838G>A), located in coding exon 9 of the NEBL gene, results from a G to A substitution at nucleotide position 838. The valine at codon 280 is replaced by isoleucine, an amino acid with highly similar properties. This amino acid position is conserved. In addition, this alteration is predicted to be tolerated by in silico analysis. Since supporting evidence is limited at this time, the clinical significance of this alteration remains unclear.